The following is an entry in ClinVar:

ClinVar aggregate classification (germline): Uncertain significance (1 of 4 stars; one submission).

Conditions:
Familial cold autoinflammatory syndrome 2 (FCAS2). Identifiers: Orphanet 247868, MedGen C2673198, MONDO:0012724, OMIM 611762.

Allele frequency attached by ClinVar (database versions not stated): TOPMed below 0.00001.
gnomAD v4.1: 5 of 1,614,152 alleles (0.00031%); no homozygotes.

Submission:

Labcorp Genetics (formerly Invitae), Labcorp
Classification: Uncertain significance for Familial cold autoinflammatory syndrome 2. Last evaluated: 2022-07-19. Review status: criteria provided, single submitter. Criteria: Invitae Variant Classification Sherloc (09022015). Collection method: clinical testing. Allele origin: germline.
Comment: This sequence change replaces valine, which is neutral and non-polar, with leucine, which is neutral and non-polar, at codon 637 of the NLRP12 protein (p.Val637Leu). This variant is not present in population databases (gnomAD no frequency). This variant has not been reported in the literature in individuals affected with NLRP12-related conditions. ClinVar contains an entry for this variant (Variation ID: 1056731). Algorithms developed to predict the effect of missense changes on protein structure and function (SIFT, PolyPhen-2, Align-GVGD) all suggest that this variant is likely to be disruptive. In summary, the available evidence is currently insufficient to determine the role of this variant in disease. Therefore, it has been classified as a Variant of Uncertain Significance.

NM_144687.4(NLRP12):c.1909G>T (p.Val637Leu)

Gene: NLRP12 (NLR family pyrin domain containing 12; minus strand). Cytogenetic location: 19q13.42.
Variant type: single nucleotide variant.
Coding change: c.1909G>T on transcript NM_144687.4 (MANE Select); coding-DNA position 1909, G replaced by T.
Protein change: p.Val637Leu; replaces valine 637 with leucine.
Molecular consequence: missense variant.
Genome position (GRCh38, 1-based): chr19:53,809,750, C>A on the plus strand (G>T on the coding strand, the complement: NLRP12 is on the minus strand). VCF-style: chr19-53809750-C-A. GRCh37 (hg19) VCF-style: chr19-54313004-C-A.
Other names: c.1909G>T, p.Val637Leu (NM_001277126.2, NM_001277129.1); short protein forms V637L.
Identifiers: ClinVar variation 1056731 (VCV001056731.6), dbSNP rs1254553227, ClinGen allele CA407412057.
Genomic context (GRCh38, chr19:53,809,750, plus strand): 5'-AGCGCTTCAGACAGAACGAGGAGACCATGTGCTCCATCTTGGAGGCAATGTTGCTGACCA[C>A]GATCACCTGGAAGTGGCTCAGGGCCTGCTGGATAAACTCCTCCTCCTGGATCTCGTACAA-3'
Protein context (NP_653288.1, residues 627-647): QQALSHFQVI[Val637Leu]VSNIASKMEH